The following is an entry in ClinVar:

ClinVar aggregate classification (germline): Pathogenic (1 of 4 stars; one submission).

Allele frequency attached by ClinVar (database versions not stated): TOPMed below 0.00001; gnomAD 0.00001.
gnomAD v4.1: 1 of 1,596,634 alleles (0.000063%); highest among the groups gnomAD compares: Non-Finnish European, 0.000085%; no homozygotes.

Submission:

GeneDx
Classification: Pathogenic. Last evaluated: 2024-09-10. Review status: criteria provided, single submitter. Criteria: GeneDx Variant Classification Process June 2021. Collection method: clinical testing. Allele origin: germline.
Comment: Identified in a patient with pyridoxine-dependent epilepsy and a second ALDH7A1 variant in published literature (PMID: 24942048); Canonical splice site variant predicted to result in a null allele in a gene for which loss of function is a known mechanism of disease; Not observed at significant frequency in large population cohorts (gnomAD); This variant is associated with the following publications: (PMID: 30043187, 24942048)

NM_001182.5(ALDH7A1):c.192+1G>A

Gene: ALDH7A1 (aldehyde dehydrogenase 7 family member A1; minus strand). Cytogenetic location: 5q23.2.
Variant type: single nucleotide variant.
Coding change: c.192+1G>A on transcript NM_001182.5 (MANE Select); the canonical splice donor site of the intron after coding-DNA position 192, G replaced by A.
Molecular consequence: splice donor variant.
Genome position (GRCh38, 1-based): chr5:126,595,006, C>T on the plus strand (G>A on the coding strand, the complement: ALDH7A1 is on the minus strand). VCF-style: chr5-126595006-C-T. GRCh37 (hg19) VCF-style: chr5-125930698-C-T.
Other names: c.192+1G>A (NM_001202404.2); c.108+1G>A (NM_001201377.2).
Identifiers: ClinVar variation 2444591 (VCV002444591.2), dbSNP rs1445604772, ClinGen allele CA360733647.